The following is an entry in ClinVar:

ClinVar aggregate classification (germline): Likely benign. Review status: criteria provided, multiple submitters, no conflicts (2 of 4 stars). 4 submissions from 4 submitters: Likely benign (2). 2 of the submissions do not count toward it. Last evaluated 2025-10-13.

Conditions:
DHDDS-related disorder. Also called: DHDDS-related condition.
Retinitis pigmentosa 59 (RP59). Identifiers: Orphanet 791, MedGen C3151227, MONDO:0013468, OMIM 613861.

Allele frequency attached by ClinVar (database versions not stated): gnomAD 0.00001; TOPMed 0.00002.
gnomAD v4.1: 2 of 1,614,070 alleles (0.00012%); highest among the groups gnomAD compares: Admixed American, 0.0017%; no homozygotes.

Submissions (4):

Labcorp Genetics (formerly Invitae), Labcorp
Classification: Likely benign for Retinitis pigmentosa 59. Last evaluated: 2025-10-13. Review status: criteria provided, single submitter. Criteria: Invitae Variant Classification Sherloc (09022015). Collection method: clinical testing. Allele origin: germline.

Blueprint Genetics
Classification: Likely benign. Last evaluated: 2024-11-06. Review status: criteria provided, single submitter. Criteria: ACMG Guidelines, 2015. Collection method: clinical testing. Allele origin: germline.

Natera, Inc.
Classification: Uncertain significance for Retinitis pigmentosa type 59. Last evaluated: 2020-03-10. Review status: no assertion criteria provided. Collection method: clinical testing. Allele origin: germline. Not counted in ClinVar's aggregate classification.

PreventionGenetics, part of Exact Sciences
Classification: Likely benign for DHDDS-related condition. Last evaluated: 2019-02-22. Review status: no assertion criteria provided. Collection method: clinical testing. Allele origin: germline. Not counted in ClinVar's aggregate classification.
Comment: This variant is classified as likely benign based on ACMG/AMP sequence variant interpretation guidelines (Richards et al. 2015 PMID: 25741868, with internal and published modifications).

NM_205861.3(DHDDS):c.57C>T (p.Ile19=)

Gene: DHDDS (dehydrodolichyl diphosphate synthase subunit; plus strand). Cytogenetic location: 1p36.11.
Variant type: single nucleotide variant.
Coding change: c.57C>T on transcript NM_205861.3 (MANE Select); coding-DNA position 57, C replaced by T.
Protein change: p.Ile19=; no amino-acid change (isoleucine 19 retained).
Molecular consequence: synonymous variant. On other transcripts: 5 prime UTR variant (1).
Genome position (GRCh38, 1-based): chr1:26,433,002, C>T. VCF-style: chr1-26433002-C-T. GRCh37 (hg19) VCF-style: chr1-26759493-C-T.
Other names: c.57C>T, p.Ile19= (NM_001243564.2, NM_001243565.2, NM_024887.4); c.-246C>T (NM_001319959.2).
Identifiers: ClinVar variation 745841 (VCV000745841.15), dbSNP rs981419090, ClinGen allele CA19768726.